The following is an entry in ClinVar:

ClinVar aggregate classification (germline): Benign/Likely benign. Review status: criteria provided, multiple submitters, no conflicts (2 of 4 stars). 7 submissions from 7 submitters: Benign (1); Likely benign (3). 3 of the submissions do not count toward it. Last evaluated 2025-12-31.

Conditions:
Acrocallosal syndrome (ACLS). Also called: HALLUX DUPLICATION, POSTAXIAL POLYDACTYLY, AND ABSENCE OF CORPUS CALLOSUM; Schinzel syndrome 1; Absence of corpus callosum with unusual facial appearance, mental deficiency, duplication of the halluces and polydactyly. Identifiers: Orphanet 36, MedGen C0796147, MONDO:0008708, OMIM 200990.

Allele frequency attached by ClinVar (database versions not stated): gnomAD 0.00001; TOPMed 0.00002; 1000 Genomes Project 0.00160; 1000 Genomes Project 30x 0.00187.
gnomAD v4.1: 870 of 1,604,950 alleles (0.054%); highest among the groups gnomAD compares: South Asian, 0.92%; 16 homozygotes.

Submissions (7):

Labcorp Genetics (formerly Invitae), Labcorp
Classification: Benign for Acrocallosal syndrome. Last evaluated: 2025-12-31. Review status: criteria provided, single submitter. Criteria: Invitae Variant Classification Sherloc (09022015). Collection method: clinical testing. Allele origin: germline.

CeGaT Center for Human Genetics Tuebingen
Classification: Likely benign. Last evaluated: 2023-02-01. Review status: criteria provided, single submitter. Criteria: CeGaT Center For Human Genetics Tuebingen Variant Classification Criteria Version 2. Collection method: clinical testing. Allele origin: germline. Affected: yes. Observed: 1 variant allele.
Comment: KIF7: BS2

GeneDx
Classification: Likely benign. Last evaluated: 2020-03-20. Review status: criteria provided, single submitter. Criteria: GeneDx Variant Classification Process June 2021. Collection method: clinical testing. Allele origin: germline. Affected: yes.

Illumina Laboratory Services, Illumina
Classification: Likely benign for Acrocallosal syndrome. Last evaluated: 2018-01-12. Review status: criteria provided, single submitter. Criteria: ICSL Variant Classification Criteria 13 December 2019. Collection method: clinical testing. Allele origin: germline.
Comment: This variant was observed in the ICSL laboratory as part of a predisposition screen in an ostensibly healthy population. It had not been previously curated by ICSL or reported in the Human Gene Mutation Database (HGMD: prior to June 1st, 2018), and was therefore a candidate for classification through an automated scoring system. Utilizing variant allele frequency, disease prevalence and penetrance estimates, and inheritance mode, an automated score was calculated to assess if this variant is too frequent to cause the disease. Based on the score and internal cut-off values, a variant classified as likely benign is not then subjected to further curation. The score for this variant resulted in a classification of likely benign for this disease.

Clinical Genetics DNA and cytogenetics Diagnostics Lab, Erasmus MC, Erasmus Medical Center
Classification: Likely benign. Review status: no assertion criteria provided. Collection method: clinical testing. Allele origin: germline. Affected: yes. Study: VKGL Data-share Consensus. Not counted in ClinVar's aggregate classification.

Genome Diagnostics Laboratory, University Medical Center Utrecht
Classification: Benign. Review status: no assertion criteria provided. Collection method: clinical testing. Allele origin: germline. Affected: yes. Study: VKGL Data-share Consensus. Not counted in ClinVar's aggregate classification.

Laboratory of Diagnostic Genome Analysis, Leiden University Medical Center (LUMC)
Classification: Likely benign. Review status: no assertion criteria provided. Collection method: clinical testing. Allele origin: germline. Affected: yes. Study: VKGL Data-share Consensus. Not counted in ClinVar's aggregate classification.

NM_198525.3(KIF7):c.2074C>G (p.Gln692Glu)

Gene: KIF7 (kinesin family member 7; minus strand). Cytogenetic location: 15q26.1.
Variant type: single nucleotide variant.
Coding change: c.2074C>G on transcript NM_198525.3 (MANE Select); coding-DNA position 2074, C replaced by G.
Protein change: p.Gln692Glu; replaces glutamine 692 with glutamic acid.
Molecular consequence: missense variant.
Genome position (GRCh38, 1-based): chr15:89,645,130, G>C on the plus strand (C>G on the coding strand, the complement: KIF7 is on the minus strand). VCF-style: chr15-89645130-G-C. GRCh37 (hg19) VCF-style: chr15-90188361-G-C.
Other names: short protein forms Q692E.
Identifiers: ClinVar variation 317364 (VCV000317364.42), dbSNP rs565633539, ClinGen allele CA7728338.